The following is an entry in ClinVar:

NM_152305.3(POGLUT1):c.652C>T (p.Arg218Ter)

Gene: POGLUT1 (protein O-glucosyltransferase 1; plus strand). Cytogenetic location: 3q13.33.
Variant type: single nucleotide variant.
Coding change: c.652C>T on transcript NM_152305.3 (MANE Select); coding-DNA position 652, C replaced by T.
Protein change: p.Arg218Ter; replaces arginine 218 with a stop codon.
Molecular consequence: nonsense. On other transcripts: non-coding transcript variant (1).
Genome position (GRCh38, 1-based): chr3:119,486,846, C>T. VCF-style: chr3-119486846-C-T. GRCh37 (hg19) VCF-style: chr3-119205693-C-T.
Other names: short protein forms R218*.
Identifiers: ClinVar variation 126529 (VCV000126529.30), dbSNP rs587777294, ClinGen allele CA151190.
Genomic context (GRCh38, chr3:119,486,846, plus strand): 5'-TTTCTAATACAGGCCACACAGTTTTATGTCACGTGTTTCTTTTATAGGACAAGTCCAGAA[C>T]GAGATCCTCTCATTCTTCTGTCTCGGAAAAACCCAAAACTTGTTGATGCAGAATACACCA-3'

ClinVar aggregate classification (germline): Conflicting classifications of pathogenicity. Review status: criteria provided, conflicting classifications (1 of 4 stars). 4 submissions from 4 submitters: Pathogenic (2); Uncertain significance (1). 1 of the submissions does not count toward it. Last evaluated 2026-03-01.

Conditions:
Dowling-Degos disease 4. Identifiers: Orphanet 79145, MedGen C3810313, MONDO:0014307, OMIM 615696.
Autosomal recessive limb-girdle muscular dystrophy type 2R1 (LGMDR21). Also called: Muscular dystrophy, limb-girdle, type 2z; Autosomal recessive limb-girdle muscular dystrophy type 2Z. Identifiers: Orphanet 480682, MedGen C4310660, MONDO:0014977, OMIM 617232.

Allele frequency attached by ClinVar (database versions not stated): ExAC 0.00001; gnomAD 0.00001; TOPMed 0.00001; gnomAD exomes 0.00002 and 0.00003.

Submissions (4):

CeGaT Center for Human Genetics Tuebingen
Classification: Pathogenic. Last evaluated: 2026-03-01. Review status: criteria provided, single submitter. Criteria: CeGaT Center For Human Genetics Tuebingen Variant Classification Criteria Version 2. Collection method: clinical testing. Allele origin: germline. Affected: yes. Observed: 2 variant alleles.
Comment: POGLUT1: PVS1, PM2, PS4:Supporting

Labcorp Genetics (formerly Invitae), Labcorp
Classification: Pathogenic. Last evaluated: 2024-12-04. Review status: criteria provided, single submitter. Criteria: Invitae Variant Classification Sherloc (09022015). Collection method: clinical testing. Allele origin: germline.
Comment: This sequence change creates a premature translational stop signal (p.Arg218*) in the POGLUT1 gene. It is expected to result in an absent or disrupted protein product. Loss-of-function variants in POGLUT1 are known to be pathogenic (PMID: 24387993). This variant is present in population databases (rs587777294, gnomAD 0.006%). This premature translational stop signal has been observed in individuals with Dowling-Degos disease (PMID: 24387993, 27479915). ClinVar contains an entry for this variant (Variation ID: 126529). Algorithms developed to predict the effect of sequence changes on RNA splicing suggest that this variant may disrupt the consensus splice site. For these reasons, this variant has been classified as Pathogenic.

Juno Genomics, Hangzhou Juno Genomics, Inc
Classification: Uncertain significance for Autosomal recessive limb-girdle muscular dystrophy type 2R1; Dowling-Degos disease 4. Review status: criteria provided, single submitter. Criteria: ACMG Guidelines, 2015. Collection method: clinical testing. Allele origin: germline.
Comment: Absent from controls (or at extremely low frequency if recessive) in Genome Aggregation Database.;The prevalence of the variant in affected individuals is significantly increased compared to the prevalence in controls.

OMIM
Classification: Pathogenic for DOWLING-DEGOS DISEASE 4. Last evaluated: 2014-01-02. Review status: no assertion criteria provided. Collection method: literature only. Allele origin: germline. Not counted in ClinVar's aggregate classification.

Literature cited by the submitters: PubMed 24387993 (cited by Labcorp Genetics (formerly Invitae), Labcorp and OMIM); PubMed 27479915 (cited by Labcorp Genetics (formerly Invitae), Labcorp); PubMed 21971768 (cited by OMIM).